The following is an entry in ClinVar:

NM_138386.3(NAF1):c.764G>T (p.Arg255Leu)

Gene: NAF1 (nuclear assembly factor 1 ribonucleoprotein; minus strand). Cytogenetic location: 4q32.2.
Variant type: single nucleotide variant.
Coding change: c.764G>T on transcript NM_138386.3 (MANE Select); coding-DNA position 764, G replaced by T.
Protein change: p.Arg255Leu; replaces arginine 255 with leucine.
Molecular consequence: missense variant.
Genome position (GRCh38, 1-based): chr4:163,140,337, C>A on the plus strand (G>T on the coding strand, the complement: NAF1 is on the minus strand). VCF-style: chr4-163140337-C-A. GRCh37 (hg19) VCF-style: chr4-164061489-C-A.
Other names: c.764G>T, p.Arg255Leu (NM_001128931.2); short protein forms R255L.
Identifiers: ClinVar variation 3650090 (VCV003650090.2).
Genomic context (GRCh38, chr4:163,140,337, plus strand): 5'-AAATACATAGTCTCCTTTATTTTAATACCTTTACTCTCAATGTGATCTGAAGAATTAAAC[C>A]GTAACACATAAAATGGATGTGCAACAGGTCCAAATATCTCGAATATCTGTAATAGAAACA-3'
Protein context (NP_612395.2, residues 245-265): GPVAHPFYVL[Arg255Leu]FNSSDHIESK

ClinVar aggregate classification (germline): Uncertain significance (1 of 4 stars; one submission).

Submission:

Labcorp Genetics (formerly Invitae), Labcorp
Classification: Uncertain significance. Last evaluated: 2024-04-16. Review status: criteria provided, single submitter. Criteria: Invitae Variant Classification Sherloc (09022015). Collection method: clinical testing. Allele origin: germline.
Comment: This sequence change replaces arginine, which is basic and polar, with leucine, which is neutral and non-polar, at codon 255 of the NAF1 protein (p.Arg255Leu). This variant is not present in population databases (gnomAD no frequency). This variant has not been reported in the literature in individuals affected with NAF1-related conditions. An algorithm developed to predict the effect of missense changes on protein structure and function (PolyPhen-2) suggests that this variant is likely to be disruptive. In summary, the available evidence is currently insufficient to determine the role of this variant in disease. Therefore, it has been classified as a Variant of Uncertain Significance.